The following is an entry in ClinVar:

ClinVar aggregate classification (germline): Pathogenic. Review status: criteria provided, multiple submitters, no conflicts (2 of 4 stars). 2 submissions from 2 submitters: Pathogenic (2). Last evaluated 2022-10-17.

Submissions (2):

Labcorp Genetics (formerly Invitae), Labcorp
Classification: Pathogenic. Last evaluated: 2022-10-17. Review status: criteria provided, single submitter. Criteria: Invitae Variant Classification Sherloc (09022015). Collection method: clinical testing. Allele origin: germline.
Comment: For these reasons, this variant has been classified as Pathogenic. ClinVar contains an entry for this variant (Variation ID: 280156). This variant has not been reported in the literature in individuals affected with MICU1-related conditions. This variant is present in population databases (no rsID available, gnomAD 0.007%). This sequence change creates a premature translational stop signal (p.Thr215Asnfs*11) in the MICU1 gene. It is expected to result in an absent or disrupted protein product. Loss-of-function variants in MICU1 are known to be pathogenic (PMID: 24336167).

GeneDx
Classification: Pathogenic. Last evaluated: 2015-12-18. Review status: criteria provided, single submitter. Criteria: GeneDx Variant Classification (06012015). Collection method: clinical testing. Allele origin: germline. Affected: yes.
Comment: The c.644_645delCA pathogenic variant in the MICU1 gene has not been reported previously as a pathogenic variant nor as a benign variant, to our knowledge. The c.644_645delCA variant causes a frameshift starting with codon Threonine 215, changes this amino acid to an Asparagine residue, and creates a premature Stop codon at position 11 of the new reading frame, denoted p.Thr215AsnfsX11. This variant is predicted to cause loss of normal protein function either through protein truncation or nonsense-mediated mRNA decay. Data reported for this pathogenic variant by the NHLBI Exome Sequencing Project are unreliable due to the number of reported homozygous individuals (14/7844 alleles, 6 homozygous) exceeding that which would be expected according to Hardy-Weinburg equilibrium. We interpret c.644_645delCA as a pathogenic variant.

Literature cited by the submitters: PubMed 24336167 (cited by Labcorp Genetics (formerly Invitae), Labcorp).

NM_001195518.2(MICU1):c.638_639del (p.Thr213fs)

Gene: MICU1 (mitochondrial calcium uptake 1; minus strand). Cytogenetic location: 10q22.1.
Variant type: Microsatellite.
Coding change: c.638_639del on transcript NM_001195518.2 (MANE Select); coding-DNA positions 638 to 639, 2 bases deleted (CA; older notation c.638_639delCA).
Protein change: p.Thr213fs; shifts the reading frame from threonine 213.
Molecular consequence: frameshift variant. On other transcripts: intron variant (1).
Genome position (GRCh38, 1-based): chr10:72,508,168-72,508,169, TG deleted on the plus strand (CA on the coding strand, the reverse complement: MICU1 is on the minus strand); deleting any 2 consecutive bases within chr10:72,508,168-72,508,171 gives the same sequence; the c. name uses the placement nearest the transcript's 3' end. VCF-style (leftmost placement, unchanged base first): chr10-72508167-TTG-T. GRCh37 (hg19) VCF-style: chr10-74267925-TTG-T.
Other names: c.644_645delCA (NM_006077.3); c.656_657del, p.Thr219fs (NM_001363513.2); c.644_645del, p.Thr215fs (NM_006077.4); c.58+15633_58+15634del (NM_001195519.2); short protein forms T219fs, T213fs, T215fs.
Identifiers: ClinVar variation 280156 (VCV000280156.6), dbSNP rs868338421, ClinGen allele CA10603149.